The following is an entry in ClinVar:

NM_138927.4(SON):c.5806C>T (p.Arg1936Cys)

Gene: SON (SON DNA and RNA binding protein; plus strand). Cytogenetic location: 21q22.11.
Variant type: single nucleotide variant.
Coding change: c.5806C>T on transcript NM_138927.4 (MANE Select); coding-DNA position 5806, C replaced by T.
Protein change: p.Arg1936Cys; replaces arginine 1936 with cysteine.
Molecular consequence: missense variant. On other transcripts: non-coding transcript variant (1), intron variant (1).
Genome position (GRCh38, 1-based): chr21:33,555,037, C>T. VCF-style: chr21-33555037-C-T. GRCh37 (hg19) VCF-style: chr21-34927343-C-T.
Other names: c.5806C>T, p.Arg1936Cys (NM_001291411.2, NM_032195.3); c.245-2119C>T (NM_001291412.3); short protein forms R1936C.
Identifiers: ClinVar variation 3768547 (VCV003768547.2).

ClinVar aggregate classification (germline): Uncertain significance (1 of 4 stars; one submission).

gnomAD v4.1: 14 of 1,612,912 alleles (0.00087%); highest among the groups gnomAD compares: South Asian, 0.0044%; no homozygotes.

Submission:

Women's Health and Genetics/Laboratory Corporation of America, LabCorp
Classification: Uncertain significance. Last evaluated: 2025-08-12. Review status: criteria provided, single submitter. Criteria: LabCorp Variant Classification Summary - May 2015. Collection method: clinical testing. Allele origin: germline.
Comment: Variant summary: SON c.5806C>T (p.Arg1936Cys) results in a non-conservative amino acid change in the encoded protein sequence. Algorithms developed to predict the effect of missense changes on protein structure and function are either unavailable or do not agree on the potential impact of this missense change. The variant was absent in 246064 control chromosomes. The available data on variant occurrences in the general population are insufficient to allow any conclusion about variant significance. To our knowledge, no occurrence of c.5806C>T in individuals affected with ZTTK Syndrome and no experimental evidence demonstrating its impact on protein function have been reported. ClinVar contains an entry for this variant (Variation ID: 3768547). Based on the evidence outlined above, the variant was classified as uncertain significance.